The following is an entry in ClinVar:

NM_031407.7(HUWE1):c.2262-8C>T

Gene: HUWE1 (HECT, UBA and WWE domain containing E3 ubiquitin protein ligase 1; minus strand). Cytogenetic location: Xp11.22.
Variant type: single nucleotide variant.
Coding change: c.2262-8C>T on transcript NM_031407.7 (MANE Select); 8 bases into the intron before coding-DNA position 2262, C replaced by T.
Molecular consequence: intron variant.
Genome position (GRCh38, 1-based): chrX:53,608,917, G>A on the plus strand (C>T on the coding strand, the complement: HUWE1 is on the minus strand). VCF-style: chrX-53608917-G-A. GRCh37 (hg19) VCF-style: chrX-53635878-G-A.
Identifiers: ClinVar variation 389419 (VCV000389419.1), dbSNP rs1057523417, ClinGen allele CA16609197.

ClinVar aggregate classification (germline): Likely benign (1 of 4 stars; one submission).

Allele frequency attached by ClinVar (database versions not stated): TOPMed below 0.00001.

Submission:

GeneDx
Classification: Likely benign. Last evaluated: 2016-09-29. Review status: criteria provided, single submitter. Criteria: GeneDx Variant Classification (06012015). Collection method: clinical testing. Allele origin: germline. Affected: yes.
Comment: This variant is considered likely benign or benign based on one or more of the following criteria: it is a conservative change, it occurs at a poorly conserved position in the protein, it is predicted to be benign by multiple in silico algorithms, and/or has population frequency not consistent with disease.